The following is an entry in ClinVar:

NM_016628.5(WAC):c.403T>G (p.Trp135Gly)

Gene: WAC (WW domain containing adaptor with coiled-coil; plus strand). Cytogenetic location: 10p12.1.
Variant type: single nucleotide variant.
Coding change: c.403T>G on transcript NM_016628.5 (MANE Select); coding-DNA position 403, T replaced by G.
Protein change: p.Trp135Gly; replaces tryptophan 135 with glycine.
Molecular consequence: missense variant.
Genome position (GRCh38, 1-based): chr10:28,589,757, T>G. VCF-style: chr10-28589757-T-G. GRCh37 (hg19) VCF-style: chr10-28878686-T-G.
Other names: c.268T>G, p.Trp90Gly (NM_100264.3); c.403T>G, p.Trp135Gly (NM_100486.4); short protein forms W135G, W90G.
Identifiers: ClinVar variation 3361520 (VCV003361520.1).
Genomic context (GRCh38, chr10:28,589,757, plus strand): 5'-GTATTAACATTTTCTAATTGTAAAAAATATATTTTTAAGCCTTATGATTCTGCAGATGAC[T>G]GGTCTGAGCATATTAGCTCTTCTGGGAAAAAGTACTACTACAATTGTCGAACAGAAGTTT-3'
Protein context (NP_057712.2, residues 125-145): SDAPYDSADD[Trp135Gly]SEHISSSGKK

ClinVar aggregate classification (germline): Uncertain significance (1 of 4 stars; one submission).

Submission:

GeneDx
Classification: Uncertain significance. Last evaluated: 2023-07-31. Review status: criteria provided, single submitter. Criteria: GeneDx Variant Classification Process June 2021. Collection method: clinical testing. Allele origin: germline. Affected: yes.
Comment: Not observed at significant frequency in large population cohorts (gnomAD); In silico analysis supports that this missense variant has a deleterious effect on protein structure/function; Has not been previously published as pathogenic or benign to our knowledge